The following is an entry in ClinVar:

ClinVar aggregate classification (germline): Uncertain significance (1 of 4 stars; one submission).

Submission:

Labcorp Genetics (formerly Invitae), Labcorp
Classification: Uncertain significance. Last evaluated: 2023-07-07. Review status: criteria provided, single submitter. Criteria: Invitae Variant Classification Sherloc (09022015). Collection method: clinical testing. Allele origin: germline.
Comment: This sequence change replaces threonine, which is neutral and polar, with asparagine, which is neutral and polar, at codon 490 of the IMPG2 protein (p.Thr490Asn). Information on the frequency of this variant in the gnomAD database is not available, as this variant may be reported differently in the database. This variant has not been reported in the literature in individuals affected with IMPG2-related conditions. ClinVar contains an entry for this variant (Variation ID: 956656). An algorithm developed to predict the effect of missense changes on protein structure and function (PolyPhen-2) suggests that this variant is likely to be disruptive. In summary, the available evidence is currently insufficient to determine the role of this variant in disease. Therefore, it has been classified as a Variant of Uncertain Significance.

NM_016247.4(IMPG2):c.1469_1470delinsAT (p.Thr490Asn)

Gene: IMPG2 (interphotoreceptor matrix proteoglycan 2; minus strand). Cytogenetic location: 3q12.3.
Variant type: Indel.
Coding change: c.1469_1470delinsAT on transcript NM_016247.4 (MANE Select); coding-DNA positions 1469 to 1470, CC replaced by AT.
Protein change: p.Thr490Asn; replaces threonine 490 with asparagine.
Molecular consequence: missense variant.
Genome position (GRCh38, 1-based): chr3:101,245,875-101,245,876, GG replaced by AT on the plus strand (CC replaced by AT on the coding strand, the reverse complement: IMPG2 is on the minus strand). VCF-style: chr3-101245875-GG-AT. GRCh37 (hg19) VCF-style: chr3-100964719-GG-AT.
Other names: short protein forms T490N.
Identifiers: ClinVar variation 956656 (VCV000956656.8), dbSNP rs1706470934, ClinGen allele CA1139658210.